The following is an entry in ClinVar:

ClinVar aggregate classification (germline): Uncertain significance. Review status: criteria provided, multiple submitters, no conflicts (2 of 4 stars). 2 submissions from 2 submitters: Uncertain significance (2). Last evaluated 2025-02-28.

Conditions:
Hereditary cancer-predisposing syndrome. Also called: Tumor predisposition; Neoplastic Syndromes, Hereditary; Hereditary Cancer Syndrome; Hereditary neoplastic syndrome. Identifiers: Orphanet 140162, MedGen C0027672, MeSH D009386, MONDO:0015356.
Lynch syndrome 5 (LYNCH5). Also called: Hereditary non-polyposis colorectal cancer, type 5; Colorectal cancer, hereditary nonpolyposis, type 5. Identifiers: Orphanet 144, MedGen C1833477, MONDO:0013710, OMIM 614350. Disease mechanism: loss of function.

Submissions (2):

Ambry Genetics
Classification: Uncertain significance for Hereditary cancer-predisposing syndrome. Last evaluated: 2025-02-28. Review status: criteria provided, single submitter. Criteria: Ambry Variant Classification Scheme 2023. Collection method: clinical testing. Allele origin: germline.
Comment: The p.S472F variant (also known as c.1415C>T), located in coding exon 4 of the MSH6 gene, results from a C to T substitution at nucleotide position 1415. The serine at codon 472 is replaced by phenylalanine, an amino acid with highly dissimilar properties. This amino acid position is conserved. In addition, the in silico prediction for this alteration is inconclusive. Based on the available evidence, the clinical significance of this variant remains unclear.

Molecular Pathology, Peter Maccallum Cancer Centre
Classification: Uncertain significance for Lynch syndrome 5. Last evaluated: 2025-02-20. Review status: criteria provided, single submitter. Criteria: ACMG Guidelines, 2015. Collection method: clinical testing. Allele origin: germline. Inheritance: Autosomal dominant inheritance.

NM_000179.3(MSH6):c.1415C>T (p.Ser472Phe)

Gene: MSH6 (mutS homolog 6; plus strand). Cytogenetic location: 2p16.3.
Variant type: single nucleotide variant.
Coding change: c.1415C>T on transcript NM_000179.3 (MANE Select); coding-DNA position 1415, C replaced by T.
Protein change: p.Ser472Phe; replaces serine 472 with phenylalanine.
Molecular consequence: missense variant. On other transcripts: non-coding transcript variant (4), intron variant (1).
Genome position (GRCh38, 1-based): chr2:47,799,398, C>T. VCF-style: chr2-47799398-C-T. GRCh37 (hg19) VCF-style: chr2-48026537-C-T.
Other names: c.1025C>T, p.Ser342Phe (NM_001281492.2); c.509C>T, p.Ser170Phe (NM_001281493.2, NM_001281494.2, NM_001406811.1 and 6 more transcripts); c.1511C>T, p.Ser504Phe (NM_001406795.1, NM_001406802.1); c.1415C>T, p.Ser472Phe (NM_001406796.1, NM_001406798.1, NM_001406800.1 and 4 more transcripts); c.1118C>T, p.Ser373Phe (NM_001406797.1, NM_001406801.1, NM_001406805.1 and 10 more transcripts); c.890C>T, p.Ser297Phe (NM_001406799.1, NM_001406806.1, NM_001406807.1); c.1337C>T, p.Ser446Phe (NM_001406804.1); c.1421C>T, p.Ser474Phe (NM_001406813.1); and 2 more; short protein forms S170F, S472F, S474F, S342F, S416F, S504F, S297F, S373F.
Identifiers: ClinVar variation 3875099 (VCV003875099.2).